The following is an entry in ClinVar:

NM_018062.4(FANCL):c.65A>G (p.Lys22Arg)

Gene: FANCL (FA complementation group L; minus strand). Cytogenetic location: 2p16.1.
Variant type: single nucleotide variant.
Coding change: c.65A>G on transcript NM_018062.4 (MANE Select); coding-DNA position 65, A replaced by G.
Protein change: p.Lys22Arg; replaces lysine 22 with arginine.
Molecular consequence: missense variant. On other transcripts: non-coding transcript variant (2).
Genome position (GRCh38, 1-based): chr2:58,241,249, T>C on the plus strand (A>G on the coding strand, the complement: FANCL is on the minus strand). VCF-style: chr2-58241249-T-C. GRCh37 (hg19) VCF-style: chr2-58468384-T-C.
Other names: c.65A>G, p.Lys22Arg (NM_001114636.2, NM_001374615.1, NM_001410792.1 and 4 more transcripts); short protein forms K22R.
Identifiers: ClinVar variation 4712885 (VCV004712885.1).

ClinVar aggregate classification (germline): Uncertain significance (1 of 4 stars; one submission).

Conditions:
Fanconi anemia (FA). Also called: Fanconi's anemia. Identifiers: Orphanet 84, MedGen C0015625, MeSH D005199, MONDO:0019391.

gnomAD v4.1: 2 of 1,614,256 alleles (0.00012%); highest among the groups gnomAD compares: South Asian, 0.0022%; no homozygotes.

Submission:

Labcorp Genetics (formerly Invitae), Labcorp
Classification: Uncertain significance for Fanconi anemia. Last evaluated: 2025-12-18. Review status: criteria provided, single submitter. Criteria: Invitae Variant Classification Sherloc (09022015). Collection method: clinical testing. Allele origin: germline.
Comment: This sequence change replaces lysine, which is basic and polar, with arginine, which is basic and polar, at codon 22 of the FANCL protein (p.Lys22Arg). This variant is present in population databases (no rsID available, gnomAD 0.01%). This variant has not been reported in the literature in individuals affected with FANCL-related conditions. An algorithm developed to predict the effect of missense changes on protein structure and function outputs the following: PolyPhen-2: "Benign". The arginine amino acid residue is found in multiple mammalian species, which suggests that this missense change does not adversely affect protein function. In summary, the available evidence is currently insufficient to determine the role of this variant in disease. Therefore, it has been classified as a Variant of Uncertain Significance.